The following is an entry in ClinVar:

NM_003179.3(SYP):c.302C>A (p.Ser101Tyr)

Gene: SYP (synaptophysin; minus strand). Cytogenetic location: Xp11.23.
Variant type: single nucleotide variant.
Coding change: c.302C>A on transcript NM_003179.3 (MANE Select); coding-DNA position 302, C replaced by A.
Protein change: p.Ser101Tyr; replaces serine 101 with tyrosine.
Molecular consequence: missense variant.
Genome position (GRCh38, 1-based): chrX:49,194,287, G>T on the plus strand (C>A on the coding strand, the complement: SYP is on the minus strand). VCF-style: chrX-49194287-G-T. GRCh37 (hg19) VCF-style: chrX-49050744-G-T.
Other names: short protein forms S101Y.
Identifiers: ClinVar variation 4823302 (VCV004823302.4).

ClinVar aggregate classification (germline): Uncertain significance (1 of 4 stars; one submission).

Submission:

CeGaT Center for Human Genetics Tuebingen
Classification: Uncertain significance. Last evaluated: 2026-02-01. Review status: criteria provided, single submitter. Criteria: CeGaT Center For Human Genetics Tuebingen Variant Classification Criteria Version 2. Collection method: clinical testing. Allele origin: germline. Affected: yes. Observed: 1 variant allele.
Comment: SYP: PM2